The following is an entry in ClinVar:

NM_001876.4(CPT1A):c.1496C>T (p.Ala499Val)

Gene: CPT1A (carnitine palmitoyltransferase 1A; minus strand). Cytogenetic location: 11q13.3.
Variant type: single nucleotide variant.
Coding change: c.1496C>T on transcript NM_001876.4 (MANE Select); coding-DNA position 1496, C replaced by T.
Protein change: p.Ala499Val; replaces alanine 499 with valine.
Molecular consequence: missense variant.
Genome position (GRCh38, 1-based): chr11:68,775,395, G>A on the plus strand (C>T on the coding strand, the complement: CPT1A is on the minus strand). VCF-style: chr11-68775395-G-A. GRCh37 (hg19) VCF-style: chr11-68542863-G-A.
Other names: c.1496C>T, p.Ala499Val (NM_001031847.3); short protein forms A499V.
Identifiers: ClinVar variation 642158 (VCV000642158.50), dbSNP rs753866589, ClinGen allele CA6152290.

ClinVar aggregate classification (germline): Uncertain significance. Review status: criteria provided, multiple submitters, no conflicts (2 of 4 stars). 5 submissions from 5 submitters: Uncertain significance (4). 1 of the submissions does not count toward it. Last evaluated 2024-08-26.

Conditions:
Inborn genetic diseases. Identifiers: MedGen C0950123, MeSH D030342.
Carnitine palmitoyl transferase 1A deficiency. Also called: Carnitine palmitoyltransferase 1A deficiency; CPT deficiency, hepatic, type IA; CPT I DEFICIENCY; CPT DEFICIENCY, HEPATIC, TYPE I; Carnitine palmitoyltransferase type I deficiency. Identifiers: Orphanet 156, MedGen C1829703, MONDO:0009705, OMIM 255120.

Allele frequency attached by ClinVar (database versions not stated): gnomAD 0.00005 and 0.00006; TOPMed 0.00006; ExAC 0.00007; gnomAD exomes 0.00007 and 0.00008.
gnomAD v4.1: 123 of 1,613,990 alleles (0.0076%); highest among the groups gnomAD compares: African/African-American, 0.0093%; 6 homozygotes.

Submissions (5):

Ambry Genetics
Classification: Uncertain significance for Inborn genetic diseases. Last evaluated: 2024-08-26. Review status: criteria provided, single submitter. Criteria: Ambry Variant Classification Scheme 2023. Collection method: clinical testing. Allele origin: germline.

Women's Health and Genetics/Laboratory Corporation of America, LabCorp
Classification: Uncertain significance. Last evaluated: 2023-01-11. Review status: criteria provided, single submitter. Criteria: LabCorp Variant Classification Summary - May 2015. Collection method: clinical testing. Allele origin: germline.
Comment: Variant summary: CPT1A c.1496C>T (p.Ala499Val) results in a non-conservative amino acid change located in the Choline/carnitine acyltransferase domain (IPR039551) of the encoded protein sequence. Four of five in-silico tools predict a benign effect of the variant on protein function. The variant allele was found at a frequency of 7.6e-05 in 251476 control chromosomes (gnomAD). This frequency is not higher than predicted for a pathogenic variant in CPT1A causing Carnitine Palmitoyltransferase I Deficiency (7.6e-05 vs 0.0011), allowing no conclusion about variant significance. To our knowledge, no occurrence of c.1496C>T in individuals affected with Carnitine Palmitoyltransferase I Deficiency and no experimental evidence demonstrating its impact on protein function have been reported. Three clinical diagnostic laboratories have submitted clinical-significance assessments for this variant to ClinVar after 2014 and all classified the variant as uncertain significance. Based on the evidence outlined above, the variant was classified as uncertain significance.

Labcorp Genetics (formerly Invitae), Labcorp
Classification: Uncertain significance for Carnitine palmitoyl transferase 1A deficiency. Last evaluated: 2022-10-14. Review status: criteria provided, single submitter. Criteria: Invitae Variant Classification Sherloc (09022015). Collection method: clinical testing. Allele origin: germline.
Comment: This sequence change replaces alanine, which is neutral and non-polar, with valine, which is neutral and non-polar, at codon 499 of the CPT1A protein (p.Ala499Val). This variant is present in population databases (rs753866589, gnomAD 0.01%). This variant has not been reported in the literature in individuals affected with CPT1A-related conditions. ClinVar contains an entry for this variant (Variation ID: 642158). Advanced modeling of protein sequence and biophysical properties (such as structural, functional, and spatial information, amino acid conservation, physicochemical variation, residue mobility, and thermodynamic stability) performed at Invitae indicates that this missense variant is not expected to disrupt CPT1A protein function. In summary, the available evidence is currently insufficient to determine the role of this variant in disease. Therefore, it has been classified as a Variant of Uncertain Significance.

CeGaT Center for Human Genetics Tuebingen
Classification: Uncertain significance. Last evaluated: 2018-09-01. Review status: criteria provided, single submitter. Criteria: CeGaT Center For Human Genetics Tuebingen Variant Classification Criteria Version 2. Collection method: clinical testing. Allele origin: germline. Affected: yes. Observed: 2 variant alleles.

Natera, Inc.
Classification: Uncertain significance for Carnitine palmitoyltransferase type I deficiency. Last evaluated: 2020-03-17. Review status: no assertion criteria provided. Collection method: clinical testing. Allele origin: germline. Not counted in ClinVar's aggregate classification.